The following is an entry in ClinVar:

NM_000271.5(NPC1):c.3591C>T (p.Ser1197=)

Gene: NPC1 (NPC intracellular cholesterol transporter 1; minus strand). Cytogenetic location: 18q11.2.
Variant type: single nucleotide variant.
Coding change: c.3591C>T on transcript NM_000271.5 (MANE Select); coding-DNA position 3591, C replaced by T.
Protein change: p.Ser1197=; no amino-acid change (serine 1197 retained).
Molecular consequence: synonymous variant.
Genome position (GRCh38, 1-based): chr18:23,534,446, G>A on the plus strand (C>T on the coding strand, the complement: NPC1 is on the minus strand). VCF-style: chr18-23534446-G-A. GRCh37 (hg19) VCF-style: chr18-21114410-G-A.
Other names: c.3591C>T (NM_000271.4).
Identifiers: ClinVar variation 593823 (VCV000593823.9), dbSNP rs191776973, ClinGen allele CA8912719.
Genomic context (GRCh38, chr18:23,534,446, plus strand): 5'-ACTGAGGAGGATTACTTTGTGGTGCGACTCTGCCGGCGTGGCCCTGCTCAGGGTACTCAC[G>A]GAGCTGCCCATGTGGGCAAGTGCCTCTTCCGCGCGCTCCACGCGGCTGCCTTTCATGCTC-3'
Protein context (NP_000262.2, residues 1187-1207): AEEALAHMGS[Ser1197=]VFSGITLTKF

ClinVar aggregate classification (germline): Uncertain significance. Review status: criteria provided, multiple submitters, no conflicts (2 of 4 stars). 3 submissions from 3 submitters: Uncertain significance (2). 1 of the submissions does not count toward it. Last evaluated 2022-10-30.

Conditions:
NPC1-related disorder. Also called: NPC1-related condition.
Niemann-Pick disease, type C1. Also called: NEUROVISCERAL STORAGE DISEASE WITH VERTICAL SUPRANUCLEAR OPHTHALMOPLEGIA; NIEMANN-PICK DISEASE WITH CHOLESTEROL ESTERIFICATION BLOCK; NIEMANN-PICK DISEASE WITHOUT SPHINGOMYELINASE DEFICIENCY; NIEMANN-PICK DISEASE, CHRONIC NEURONOPATHIC FORM; NIEMANN-PICK DISEASE, VARIANT TYPE C1. Identifiers: Orphanet 646, MedGen C3179455, MONDO:0009757, OMIM 257220.

Allele frequency attached by ClinVar (database versions not stated): gnomAD exomes 0.00006; ExAC 0.00008; ESP Exome Variant Server 0.00015; 1000 Genomes Project 30x 0.00016; gnomAD 0.00016 and 0.00019; 1000 Genomes Project 0.00020; TOPMed 0.00022.
gnomAD v4.1: 91 of 1,609,118 alleles (0.0057%); highest among the groups gnomAD compares: African/African-American, 0.044%; no homozygotes.

Submissions (3):

Labcorp Genetics (formerly Invitae), Labcorp
Classification: Uncertain significance for Niemann-Pick disease, type C1. Last evaluated: 2022-10-30. Review status: criteria provided, single submitter. Criteria: Invitae Variant Classification Sherloc (09022015). Collection method: clinical testing. Allele origin: germline.
Comment: This sequence change affects codon 1197 of the NPC1 mRNA. It is a 'silent' change, meaning that it does not change the encoded amino acid sequence of the NPC1 protein. It affects a nucleotide within the consensus splice site. This variant is present in population databases (rs191776973, gnomAD 0.03%). This variant has not been reported in the literature in individuals affected with NPC1-related conditions. ClinVar contains an entry for this variant (Variation ID: 593823). Algorithms developed to predict the effect of sequence changes on RNA splicing suggest that this variant is not likely to affect RNA splicing. In summary, the available evidence is currently insufficient to determine the role of this variant in disease. Therefore, it has been classified as a Variant of Uncertain Significance.

Eurofins Ntd Llc (ga)
Classification: Uncertain significance. Last evaluated: 2017-09-01. Review status: criteria provided, single submitter. Criteria: EGL Classification Definitions 2015. Collection method: clinical testing. Allele origin: germline. Observed: 1 variant allele, 1 heterozygote.

PreventionGenetics, part of Exact Sciences
Classification: Likely benign for NPC1-related condition. Last evaluated: 2021-06-14. Review status: no assertion criteria provided. Collection method: clinical testing. Allele origin: germline. Not counted in ClinVar's aggregate classification.
Comment: This variant is classified as likely benign based on ACMG/AMP sequence variant interpretation guidelines (Richards et al. 2015 PMID: 25741868, with internal and published modifications).